The following is an entry in ClinVar:

ClinVar aggregate classification (germline): Benign. Review status: criteria provided, multiple submitters, no conflicts (2 of 4 stars). 4 submissions from 4 submitters: Benign (3). 1 of the submissions does not count toward it. Last evaluated 2025-11-21.

Conditions:
DYRK1B-related disorder. Also called: DYRK1B-related condition.

Allele frequency attached by ClinVar (database versions not stated): gnomAD 0.00181 and 0.00132; ESP Exome Variant Server 0.00192; gnomAD exomes 0.00275 and 0.00427; 1000 Genomes Project 0.00399; 1000 Genomes Project 30x 0.00406; ExAC 0.00464; TOPMed 0.00169.

Submissions (4):

Labcorp Genetics (formerly Invitae), Labcorp
Classification: Benign. Last evaluated: 2025-11-21. Review status: criteria provided, single submitter. Criteria: Invitae Variant Classification Sherloc (09022015). Collection method: clinical testing. Allele origin: germline.

Genetic Services Laboratory, University of Chicago
Classification: Benign. Last evaluated: 2021-10-13. Review status: criteria provided, single submitter. Criteria: ACMG Guidelines, 2015. Collection method: clinical testing. Allele origin: germline. Affected: no.

Breakthrough Genomics
Classification: Benign. Review status: criteria provided, single submitter. Criteria: ACMG Guidelines, 2015. Collection method: not provided. Allele origin: germline. Inheritance: Autosomal dominant inheritance. Affected: yes.

PreventionGenetics, part of Exact Sciences
Classification: Benign for DYRK1B-related condition. Last evaluated: 2019-06-13. Review status: no assertion criteria provided. Collection method: clinical testing. Allele origin: germline. Not counted in ClinVar's aggregate classification.
Comment: This variant is classified as benign based on ACMG/AMP sequence variant interpretation guidelines (Richards et al. 2015 PMID: 25741868, with internal and published modifications).

NM_004714.3(DYRK1B):c.83T>C (p.Leu28Pro)

Gene: DYRK1B (dual specificity tyrosine phosphorylation regulated kinase 1B; minus strand). Cytogenetic location: 19q13.2.
Variant type: single nucleotide variant.
Coding change: c.83T>C on transcript NM_004714.3 (MANE Select); coding-DNA position 83, T replaced by C.
Protein change: p.Leu28Pro; replaces leucine 28 with proline.
Molecular consequence: missense variant.
Genome position (GRCh38, 1-based): chr19:39,830,764, A>G on the plus strand (T>C on the coding strand, the complement: DYRK1B is on the minus strand). VCF-style: chr19-39830764-A-G. GRCh37 (hg19) VCF-style: chr19-40321404-A-G.
Other names: c.83T>C, p.Leu28Pro (NM_006483.3, NM_006484.3); short protein forms L28P.
Identifiers: ClinVar variation 790887 (VCV000790887.15), dbSNP rs34587974, ClinGen allele CA9434441.